The following is an entry in ClinVar:

NM_000322.5(PRPH2):c.828+5G>T

Gene: PRPH2 (peripherin 2; minus strand). Cytogenetic location: 6p21.1.
Variant type: single nucleotide variant.
Coding change: c.828+5G>T on transcript NM_000322.5 (MANE Select); 5 bases into the intron after coding-DNA position 828, G replaced by T.
Molecular consequence: intron variant.
Genome position (GRCh38, 1-based): chr6:42,704,360, C>A on the plus strand (G>T on the coding strand, the complement: PRPH2 is on the minus strand). VCF-style: chr6-42704360-C-A. GRCh37 (hg19) VCF-style: chr6-42672098-C-A.
Identifiers: ClinVar variation 2992571 (VCV002992571.3), dbSNP rs1179348209, ClinGen allele CA824837462.

ClinVar aggregate classification (germline): Uncertain significance (1 of 4 stars; one submission).

Conditions:
PRPH2-related disorder. Also called: PRPH2-related disorders; PRPH2-related condition. Identifiers: MedGen CN239395.

Allele frequency attached by ClinVar (database versions not stated): gnomAD exomes below 0.00001; gnomAD 0.00001.
gnomAD v4.1: 2 of 1,607,100 alleles (0.00012%); highest among the groups gnomAD compares: Non-Finnish European, 0.00017%; no homozygotes.

Submission:

Labcorp Genetics (formerly Invitae), Labcorp
Classification: Uncertain significance for PRPH2-related disorder. Last evaluated: 2023-10-08. Review status: criteria provided, single submitter. Criteria: Invitae Variant Classification Sherloc (09022015). Collection method: clinical testing. Allele origin: germline.
Comment: This sequence change falls in intron 2 of the PRPH2 gene. It does not directly change the encoded amino acid sequence of the PRPH2 protein. It affects a nucleotide within the consensus splice site. This variant is not present in population databases (gnomAD no frequency). This variant has not been reported in the literature in individuals affected with PRPH2-related conditions. Variants that disrupt the consensus splice site are a relatively common cause of aberrant splicing (PMID: 17576681, 9536098). Algorithms developed to predict the effect of sequence changes on RNA splicing suggest that this variant may create or strengthen a splice site. In summary, the available evidence is currently insufficient to determine the role of this variant in disease. Therefore, it has been classified as a Variant of Uncertain Significance.

Literature cited by the submitters: PubMed 17576681; PubMed 9536098.